The following is an entry in ClinVar:

NM_001165963.4(SCN1A):c.2947G>A (p.Val983Ile)

Gene: SCN1A (sodium voltage-gated channel alpha subunit 1; minus strand). Cytogenetic location: 2q24.3.
Variant type: single nucleotide variant.
Coding change: c.2947G>A on transcript NM_001165963.4 (MANE Select); coding-DNA position 2947, G replaced by A.
Protein change: p.Val983Ile; replaces valine 983 with isoleucine.
Molecular consequence: missense variant. On other transcripts: non-coding transcript variant (1).
Genome position (GRCh38, 1-based): chr2:166,036,530, C>T on the plus strand (G>A on the coding strand, the complement: SCN1A is on the minus strand). VCF-style: chr2-166036530-C-T. GRCh37 (hg19) VCF-style: chr2-166893040-C-T.
Other names: c.2863G>A, p.Val955Ile (NM_001165964.3, NM_001353957.2, NM_001353958.2); c.2947G>A, p.Val983Ile (NM_001202435.3, NM_001353948.2); c.2914G>A, p.Val972Ile (NM_001353949.2, NM_001353950.2, NM_001353951.2 and 2 more transcripts); c.2911G>A, p.Val971Ile (NM_001353954.2, NM_001353955.2); c.2860G>A, p.Val954Ile (NM_001353960.2); c.505G>A, p.Val169Ile (NM_001353961.2); short protein forms V972I, V983I, V971I, V169I, V954I, V955I.
Identifiers: ClinVar variation 461261 (VCV000461261.10), dbSNP rs1553540503, ClinGen allele CA349060661.

ClinVar aggregate classification (germline): Pathogenic/Likely pathogenic. Review status: criteria provided, multiple submitters, no conflicts (2 of 4 stars). 2 submissions from 2 submitters: Pathogenic (1); Likely pathogenic (1). Last evaluated 2019-11-06.

Conditions:
Early-infantile DEE. Also called: Early infantile epileptic encephalopathy; Early infantile epileptic encephalopathy with suppression bursts; Ohtahara syndrome. Identifiers: Orphanet 1934, MedGen C0393706, MONDO:0800491.
SCN1A-related disorder. Also called: SCN1A-related conditions; SCN1A-related condition; SCN1A-related disorders.

Submissions (2):

Blueprint Genetics
Classification: Likely pathogenic for SCN1A-related disorders. Last evaluated: 2019-11-06. Review status: criteria provided, single submitter. Criteria: ACMG Guidelines, 2015. Collection method: clinical testing. Allele origin: germline. Affected: yes. Observed: 1 variant allele.

Labcorp Genetics (formerly Invitae), Labcorp
Classification: Pathogenic for Early-infantile DEE. Last evaluated: 2018-04-19. Review status: criteria provided, single submitter. Criteria: Invitae Variant Classification Sherloc (09022015). Collection method: clinical testing. Allele origin: germline.
Comment: This variant is not present in population databases (ExAC no frequency). This sequence change replaces valine with isoleucine at codon 983 of the SCN1A protein (p.Val983Ile). The valine residue is highly conserved and there is a small physicochemical difference between valine and isoleucine. Algorithms developed to predict the effect of missense changes on protein structure and function (SIFT, PolyPhen-2, Align-GVGD) all suggest that this variant is likely to be disruptive, but these predictions have not been confirmed by published functional studies and their clinical significance is uncertain. This variant identified in the SCN1A gene is located in the transmembrane spanning D2-S6 region of the resulting protein (PMID: 25348405, 18804930), but it is unclear how this variant impacts the function of this protein. For these reasons, this variant has been classified as Pathogenic. A different missense substitution at this codon (p.Val983Ala) has been determined to be pathogenic (PMID: 12566275, 16210358. This suggests that the valine residue is critical for SCN1A protein function and that other missense substitutions at this position may also be pathogenic.

Literature cited by the submitters: PubMed 25348405 (cited by Labcorp Genetics (formerly Invitae), Labcorp); PubMed 18804930 (cited by Labcorp Genetics (formerly Invitae), Labcorp).